The following is an entry in ClinVar:

ClinVar aggregate classification (germline): Uncertain significance (1 of 4 stars; one submission).

Submission:

CeGaT Center for Human Genetics Tuebingen
Classification: Uncertain significance. Last evaluated: 2024-01-01. Review status: criteria provided, single submitter. Criteria: CeGaT Center For Human Genetics Tuebingen Variant Classification Criteria Version 2. Collection method: clinical testing. Allele origin: germline. Affected: yes. Observed: 1 variant allele.
Comment: PSMD12: PM2

NM_002816.5(PSMD12):c.417A>T (p.Glu139Asp)

Gene: PSMD12 (proteasome 26S subunit, non-ATPase 12; minus strand). Cytogenetic location: 17q24.2.
Variant type: single nucleotide variant.
Coding change: c.417A>T on transcript NM_002816.5 (MANE Select); coding-DNA position 417, A replaced by T.
Protein change: p.Glu139Asp; replaces glutamic acid 139 with aspartic acid.
Molecular consequence: missense variant.
Genome position (GRCh38, 1-based): chr17:67,348,643, T>A on the plus strand (A>T on the coding strand, the complement: PSMD12 is on the minus strand). VCF-style: chr17-67348643-T-A. GRCh37 (hg19) VCF-style: chr17-65344759-T-A.
Other names: c.240A>T, p.Glu80Asp (NM_001316341.2); c.357A>T, p.Glu119Asp (NM_174871.4); short protein forms E119D, E139D, E80D.
Identifiers: ClinVar variation 3026505 (VCV003026505.22), dbSNP rs2509685716, ClinGen allele CA400805355.